The following is an entry in ClinVar:

NM_020975.6(RET):c.1138G>C (p.Asp380His)

Gene: RET (ret proto-oncogene; plus strand). Cytogenetic location: 10q11.21.
Variant type: single nucleotide variant.
Coding change: c.1138G>C on transcript NM_020975.6 (MANE Select); coding-DNA position 1138, G replaced by C.
Protein change: p.Asp380His; replaces aspartic acid 380 with histidine.
Molecular consequence: missense variant. On other transcripts: intron variant (18).
Genome position (GRCh38, 1-based): chr10:43,109,105, G>C. VCF-style: chr10-43109105-G-C. GRCh37 (hg19) VCF-style: chr10-43604553-G-C.
Other names: c.1009G>C, p.Asp337His (NM_001406762.1, NM_001406764.1, NM_001406768.1 and 1 more transcripts); c.1138G>C, p.Asp380His (NM_001406763.1, NM_001406765.1, NM_001406743.1 and 4 more transcripts); c.850G>C, p.Asp284His (NM_001406766.1, NM_001406767.1, NM_001406770.1); c.700G>C, p.Asp234His (NM_001406771.1, NM_001406773.1); c.868-2102G>C (NM_001406769.1, NM_001406772.1); c.626-2994G>C (NM_001406782.1, NM_001406780.1, NM_001406779.1 and 3 more transcripts); c.739-2102G>C (NM_001406774.1); c.497-2994G>C (NM_001406786.1, NM_001406783.1); and 5 more; short protein forms D126H, D138H, D234H, D284H, D337H, D380H, D50H.
Identifiers: ClinVar variation 3605250 (VCV003605250.2).
Genomic context (GRCh38, chr10:43,109,105, plus strand): 5'-CGGAACCTCTCCATCTCGGAGAACCGCACCATGCAGCTGGCGGTGCTGGTCAATGACTCA[G>C]ACTTCCAGGGCCCAGGAGCGGGCGTCCTCTTGCTCCACTTCAACGTGTCGGTGCTGCCGG-3'
Protein context (NP_066124.1, residues 370-390): MQLAVLVNDS[Asp380His]FQGPGAGVLL

ClinVar aggregate classification (germline): Uncertain significance (1 of 4 stars; one submission).

Conditions:
Multiple endocrine neoplasia, type 2 (MEN2). Identifiers: Orphanet 653, MedGen C4048306, MONDO:0019003. Disease mechanism: gain of function.

gnomAD v4.1: 1 of 1,613,904 alleles (0.000062%); highest among the groups gnomAD compares: East Asian, 0.0022%; no homozygotes.

Submission:

Labcorp Genetics (formerly Invitae), Labcorp
Classification: Uncertain significance for Multiple endocrine neoplasia, type 2. Last evaluated: 2025-01-09. Review status: criteria provided, single submitter. Criteria: Invitae Variant Classification Sherloc (09022015). Collection method: clinical testing. Allele origin: germline.
Comment: This sequence change replaces aspartic acid, which is acidic and polar, with histidine, which is basic and polar, at codon 380 of the RET protein (p.Asp380His). This variant is not present in population databases (gnomAD no frequency). This variant has not been reported in the literature in individuals affected with RET-related conditions. An algorithm developed to predict the effect of missense changes on protein structure and function (PolyPhen-2) suggests that this variant is likely to be disruptive. In summary, the available evidence is currently insufficient to determine the role of this variant in disease. Therefore, it has been classified as a Variant of Uncertain Significance.